The following is an entry in ClinVar:

NM_016203.4(PRKAG2):c.153C>A (p.Asp51Glu)

Gene: PRKAG2 (protein kinase AMP-activated non-catalytic subunit gamma 2; minus strand). Cytogenetic location: 7q36.1.
Variant type: single nucleotide variant.
Coding change: c.153C>A on transcript NM_016203.4 (MANE Select); coding-DNA position 153, C replaced by A.
Protein change: p.Asp51Glu; replaces aspartic acid 51 with glutamic acid.
Molecular consequence: missense variant. On other transcripts: intron variant (1).
Genome position (GRCh38, 1-based): chr7:151,786,503, G>T on the plus strand (C>A on the coding strand, the complement: PRKAG2 is on the minus strand). VCF-style: chr7-151786503-G-T. GRCh37 (hg19) VCF-style: chr7-151483589-G-T.
Other names: c.21C>A, p.Asp7Glu (NM_001040633.2, NM_001407024.1, NM_001407026.1 and 2 more transcripts); c.153C>A, p.Asp51Glu (NM_001407021.1, NM_001407022.1, NM_001407023.1 and 2 more transcripts); c.148+27913C>A (NM_001407032.1); short protein forms D51E, D7E.
Identifiers: ClinVar variation 4748729 (VCV004748729.2).

ClinVar aggregate classification (germline): Uncertain significance. Review status: criteria provided, multiple submitters, no conflicts (2 of 4 stars). 2 submissions from 2 submitters: Uncertain significance (2). Last evaluated 2026-03-13.

Conditions:
Lethal congenital glycogen storage disease of heart. Also called: GLYCOGEN STORAGE DISEASE OF HEART; PHOSPHORYLASE KINASE DEFICIENCY OF HEART. Identifiers: Orphanet 439854, MedGen C1849813, MONDO:0009867, OMIM 261740.
PRKAG2-related cardiomyopathy. Identifiers: MedGen CN375941, MONDO:0800484.

Submissions (2):

Helix
Classification: Uncertain significance for PRKAG2-related cardiomyopathy. Last evaluated: 2026-03-13. Review status: criteria provided, single submitter. Criteria: ACMG Guidelines, 2015. Collection method: clinical testing. Allele origin: germline. Inheritance: Autosomal dominant inheritance.
Comment: This variant (NM_016203.4:c.153C>A p.Asp51Glu) results in the substitution of aspartic acid with glutamic acid at codon 51 in the PRKAG2 protein. It is a rare variant that is absent from the large gnomAD population database (v4.1). To our knowledge, this variant has not been reported in individuals with PRKAG2-related conditions in the published literature. In silico prediction from REVEL (PMID: 27666373) suggests that this variant may be benign. This variant is present in ClinVar (Accession: VCV004748729.1). In conclusion, since the available evidence is limited, the clinical significance of this variant is unclear at this time. Therefore, it is classified as a Variant of Uncertain Significance.

Labcorp Genetics (formerly Invitae), Labcorp
Classification: Uncertain significance for Lethal congenital glycogen storage disease of heart. Last evaluated: 2025-05-19. Review status: criteria provided, single submitter. Criteria: Invitae Variant Classification Sherloc (09022015). Collection method: clinical testing. Allele origin: germline.
Comment: This sequence change replaces aspartic acid, which is acidic and polar, with glutamic acid, which is acidic and polar, at codon 51 of the PRKAG2 protein (p.Asp51Glu). This variant is not present in population databases (gnomAD no frequency). This variant has not been reported in the literature in individuals affected with PRKAG2-related conditions. Invitae Evidence Modeling of protein sequence and biophysical properties (such as structural, functional, and spatial information, amino acid conservation, physicochemical variation, residue mobility, and thermodynamic stability) indicates that this missense variant is not expected to disrupt PRKAG2 protein function with a negative predictive value of 95%. In summary, the available evidence is currently insufficient to determine the role of this variant in disease. Therefore, it has been classified as a Variant of Uncertain Significance.